The following is an entry in ClinVar:

ClinVar aggregate classification (germline): Uncertain significance (1 of 4 stars; one submission).

Conditions:
Rubinstein-Taybi syndrome due to EP300 haploinsufficiency. Also called: EP300-Related Rubinstein-Taybi Syndrome; RUBINSTEIN-TAYBI SYNDROME 2. Identifiers: Orphanet 353284, Orphanet 783, MedGen C3150941, MONDO:0013364, OMIM 613684.

Submission:

Labcorp Genetics (formerly Invitae), Labcorp
Classification: Uncertain significance for Rubinstein-Taybi syndrome due to EP300 haploinsufficiency. Last evaluated: 2023-09-11. Review status: criteria provided, single submitter. Criteria: Invitae Variant Classification Sherloc (09022015). Collection method: clinical testing. Allele origin: germline.
Comment: This variant is not present in population databases (gnomAD no frequency). In summary, the available evidence is currently insufficient to determine the role of this variant in disease. Therefore, it has been classified as a Variant of Uncertain Significance. Advanced modeling of protein sequence and biophysical properties (such as structural, functional, and spatial information, amino acid conservation, physicochemical variation, residue mobility, and thermodynamic stability) performed at Invitae indicates that this missense variant is not expected to disrupt EP300 protein function. This variant has not been reported in the literature in individuals affected with EP300-related conditions. This sequence change replaces glutamine, which is neutral and polar, with histidine, which is basic and polar, at codon 971 of the EP300 protein (p.Gln971His).

NM_001429.4(EP300):c.2913G>C (p.Gln971His)

Genes: EP300 (EP300 lysine acetyltransferase; plus strand), LOC126863158 (BRD4-independent group 4 enhancer GRCh37_chr22:41547383-41548582; plus strand). Cytogenetic location: 22q13.2.
Variant type: single nucleotide variant.
Coding change: c.2913G>C on transcript NM_001429.4 (MANE Select); coding-DNA position 2913, G replaced by C.
Protein change: p.Gln971His; replaces glutamine 971 with histidine.
Molecular consequence: missense variant.
Genome position (GRCh38, 1-based): chr22:41,151,928, G>C. VCF-style: chr22-41151928-G-C. GRCh37 (hg19) VCF-style: chr22-41547932-G-C.
Other names: c.2835G>C, p.Gln945His (NM_001362843.2); short protein forms Q945H, Q971H.
Identifiers: ClinVar variation 2757870 (VCV002757870.3), dbSNP rs779702196, ClinGen allele CA411692949.